The following is an entry in ClinVar:

ClinVar aggregate classification (germline): Uncertain significance (1 of 4 stars; one submission).

Conditions:
Gastrointestinal stromal tumor. Also called: Gastrointestinal stromal tumor, somatic; Gastrointestinal stroma tumor. Identifiers: Orphanet 44890, MedGen C0238198, MeSH D046152, MONDO:0011719, OMIM 606764, HP:0100723.

Submission:

Labcorp Genetics (formerly Invitae), Labcorp
Classification: Uncertain significance for Gastrointestinal stromal tumor. Last evaluated: 2019-11-27. Review status: criteria provided, single submitter. Criteria: Invitae Variant Classification Sherloc (09022015). Collection method: clinical testing. Allele origin: germline.
Comment: This sequence change replaces threonine with alanine at codon 520 of the PDGFRA protein (p.Thr520Ala). The threonine residue is moderately conserved and there is a small physicochemical difference between threonine and alanine. In summary, the available evidence is currently insufficient to determine the role of this variant in disease. Therefore, it has been classified as a Variant of Uncertain Significance. Algorithms developed to predict the effect of sequence changes on RNA splicing suggest that this variant may create or strengthen a splice site, but this prediction has not been confirmed by published transcriptional studies. Algorithms developed to predict the effect of missense changes on protein structure and function output the following: SIFT: "Tolerated"; PolyPhen-2: "Benign"; Align-GVGD: "Class C0". The alanine amino acid residue is found in multiple mammalian species, suggesting that this missense change does not adversely affect protein function. These predictions have not been confirmed by published functional studies and their clinical significance is uncertain. This variant has not been reported in the literature in individuals with PDGFRA-related conditions. This variant is not present in population databases (ExAC no frequency).

NM_006206.6(PDGFRA):c.1558A>G (p.Thr520Ala)

Gene: PDGFRA (platelet derived growth factor receptor alpha; plus strand). Cytogenetic location: 4q12.
Variant type: single nucleotide variant.
Coding change: c.1558A>G on transcript NM_006206.6 (MANE Select); coding-DNA position 1558, A replaced by G.
Protein change: p.Thr520Ala; replaces threonine 520 with alanine.
Molecular consequence: missense variant.
Genome position (GRCh38, 1-based): chr4:54,273,730, A>G. VCF-style: chr4-54273730-A-G. GRCh37 (hg19) VCF-style: chr4-55139897-A-G.
Other names: c.1558A>G, p.Thr520Ala (NM_001347827.2, NM_001347829.2); c.1633A>G, p.Thr545Ala (NM_001347828.2); c.1597A>G, p.Thr533Ala (NM_001347830.2); short protein forms T520A, T533A, T545A.
Identifiers: ClinVar variation 855350 (VCV000855350.10), dbSNP rs1723547033, ClinGen allele CA356892810.